The following is an entry in ClinVar:

NM_001352027.3(PHF21A):c.1685-8_1685-3del

Gene: PHF21A (PHD finger protein 21A; minus strand). Cytogenetic location: 11p11.2.
Variant type: Deletion.
Coding change: c.1685-8_1685-3del on transcript NM_001352027.3 (MANE Select); 8 bases into the intron before coding-DNA position 1685 through 3 bases into the intron before coding-DNA position 1685, 6 bases deleted (TTTTTT; older notation c.1685-8_1685-3delTTTTTT).
Molecular consequence: intron variant.
Genome position (GRCh38, 1-based): chr11:45,935,742-45,935,747, AAAAAA deleted on the plus strand (TTTTTT on the coding strand, the reverse complement: PHF21A is on the minus strand); deleting any 6 consecutive bases within chr11:45,935,742-45,935,764 gives the same sequence; the c. name uses the placement nearest the transcript's 3' end. VCF-style (leftmost placement, unchanged base first): chr11-45935741-TAAAAAA-T. GRCh37 (hg19) VCF-style: chr11-45957292-TAAAAAA-T.
Other names: c.1541-8_1541-3del (NM_001352030.3, NM_001352031.3, NM_001352032.3); c.1682-8_1682-3del (NM_001101802.3); c.1685-8_1685-3del (NM_001352026.3, NM_001352025.3); c.1544-8_1544-3del (NM_016621.5, NM_001352028.1, NM_001352029.1); c.1544-8_1544-3del6 (NM_016621.3).
Identifiers: ClinVar variation 787908 (VCV000787908.5), dbSNP rs35995547, ClinGen allele CA676921598.
Genomic context (GRCh38, chr11:45,935,741, plus strand): 5'-TCGTTCTTGTTTTAAATCTGAACTCCATTTAAGTAACTTCTGTTTCTCTTCTTCTTTTGC[TAAAAAA>T]AAAAAAAAAAAAAAAAAGGAACGGTTTTTGACAATTAATTCTTTGAAATGTCCTCTGTGC-3'

ClinVar aggregate classification (germline): Benign. Review status: criteria provided, single submitter (1 of 4 stars). 2 submissions from 2 submitters: Benign (1). 1 of the submissions does not count toward it. Last evaluated 2017-08-03.

Conditions:
PHF21A-related disorder. Also called: PHF21A-related condition.

Submissions (2):

Labcorp Genetics (formerly Invitae), Labcorp
Classification: Benign. Last evaluated: 2017-08-03. Review status: criteria provided, single submitter. Criteria: Invitae Variant Classification Sherloc (09022015). Collection method: clinical testing. Allele origin: germline.

PreventionGenetics, part of Exact Sciences
Classification: Likely benign for PHF21A-related condition. Last evaluated: 2019-08-09. Review status: no assertion criteria provided. Collection method: clinical testing. Allele origin: germline. Not counted in ClinVar's aggregate classification.
Comment: This variant is classified as likely benign based on ACMG/AMP sequence variant interpretation guidelines (Richards et al. 2015 PMID: 25741868, with internal and published modifications).